The following is an entry in ClinVar:

NM_000383.4(AIRE):c.613G>A (p.Ala205Thr)

Gene: AIRE (autoimmune regulator; plus strand). Cytogenetic location: 21q22.3.
Variant type: single nucleotide variant.
Coding change: c.613G>A on transcript NM_000383.4 (MANE Select); coding-DNA position 613, G replaced by A.
Protein change: p.Ala205Thr; replaces alanine 205 with threonine.
Molecular consequence: missense variant.
Genome position (GRCh38, 1-based): chr21:44,288,419, G>A. VCF-style: chr21-44288419-G-A. GRCh37 (hg19) VCF-style: chr21-45708302-G-A.
Other names: short protein forms A205T.
Identifiers: ClinVar variation 4573764 (VCV004573764.1).
Genomic context (GRCh38, chr21:44,288,419, plus strand): 5'-TCAGCTTCAGTCCAGAGAGCTGTGGCCATGTCCTCCGGGGACGTCCCGGGAGCCCGAGGG[G>A]CCGTGGAGGGGATCCTCATCCAGCAGGTGTTTGAGTCAGGTAGACGCTGTGGCGGGGAGA-3'
Protein context (NP_000374.1, residues 195-215): SSGDVPGARG[Ala205Thr]VEGILIQQVF

ClinVar aggregate classification (germline): Uncertain significance (1 of 4 stars; one submission).

Conditions:
Inborn genetic diseases. Identifiers: MedGen C0950123, MeSH D030342.

Submission:

Ambry Genetics
Classification: Uncertain significance for Inborn genetic diseases. Last evaluated: 2025-09-25. Review status: criteria provided, single submitter. Criteria: Ambry Variant Classification Scheme 2023. Collection method: clinical testing. Allele origin: germline.
Comment: The c.613G>A (p.A205T) alteration is located in exon 5 (coding exon 5) of the AIRE gene. This alteration results from a G to A substitution at nucleotide position 613, causing the alanine (A) at amino acid position 205 to be replaced by a threonine (T). Based on data from gnomAD, the A allele has an overall frequency of <0.001% (0/250128) total alleles studied. The highest observed frequency was <0.001% (/) of alleles. Based on insufficient or conflicting evidence, the clinical significance of this alteration remains unclear.